The following is an entry in ClinVar:

NM_000444.6(PHEX):c.2098G>A (p.Ala700Thr)

Genes: PHEX (phosphate regulating endopeptidase X-linked; plus strand), PTCHD1-AS (PTCHD1 and PHEX antisense RNA; minus strand). Cytogenetic location: Xp22.11.
Variant type: single nucleotide variant.
Coding change: c.2098G>A on transcript NM_000444.6 (MANE Select); coding-DNA position 2098, G replaced by A.
Protein change: p.Ala700Thr; replaces alanine 700 with threonine.
Molecular consequence: missense variant. On other transcripts: intron variant (1).
Genome position (GRCh38, 1-based): chrX:22,245,360, G>A. VCF-style: chrX-22245360-G-A. GRCh37 (hg19) VCF-style: chrX-22263477-G-A.
Other names: c.2071-2491G>A (NM_001282754.2); short protein forms A700T.
Identifiers: ClinVar variation 2779497 (VCV002779497.3), dbSNP rs1936360860, ClinGen allele CA412575223.

ClinVar aggregate classification (germline): Uncertain significance (1 of 4 stars; one submission).

Allele frequency attached by ClinVar (database versions not stated): TOPMed below 0.00001.

Submission:

Labcorp Genetics (formerly Invitae), Labcorp
Classification: Uncertain significance. Last evaluated: 2023-10-22. Review status: criteria provided, single submitter. Criteria: Invitae Variant Classification Sherloc (09022015). Collection method: clinical testing. Allele origin: germline.
Comment: This sequence change replaces alanine, which is neutral and non-polar, with threonine, which is neutral and polar, at codon 700 of the PHEX protein (p.Ala700Thr). This variant is not present in population databases (gnomAD no frequency). This variant has not been reported in the literature in individuals affected with PHEX-related conditions. Advanced modeling of protein sequence and biophysical properties (such as structural, functional, and spatial information, amino acid conservation, physicochemical variation, residue mobility, and thermodynamic stability) has been performed at Invitae for this missense variant, however the output from this modeling did not meet the statistical confidence thresholds required to predict the impact of this variant on PHEX protein function. In summary, the available evidence is currently insufficient to determine the role of this variant in disease. Therefore, it has been classified as a Variant of Uncertain Significance.